The following is an entry in ClinVar:

ClinVar aggregate classification (germline): Uncertain significance (1 of 4 stars; one submission).

gnomAD v4.1: 1 of 1,614,000 alleles (0.000062%); highest among the groups gnomAD compares: Non-Finnish European, 0.000085%; no homozygotes.

Submission:

Mayo Clinic Laboratories, Mayo Clinic
Classification: Uncertain significance. Last evaluated: 2024-02-21. Review status: criteria provided, single submitter. Criteria: ACMG Guidelines, 2015. Collection method: clinical testing. Allele origin: germline. Observed: 1 variant allele.
Comment: BP4_strong, PM2

NM_139027.6(ADAMTS13):c.161C>T (p.Ala54Val)

Gene: ADAMTS13 (ADAM metallopeptidase with thrombospondin type 1 motif 13; plus strand). Cytogenetic location: 9q34.2.
Variant type: single nucleotide variant.
Coding change: c.161C>T on transcript NM_139027.6 (MANE Select); coding-DNA position 161, C replaced by T.
Protein change: p.Ala54Val; replaces alanine 54 with valine.
Molecular consequence: missense variant. On other transcripts: non-coding transcript variant (1).
Genome position (GRCh38, 1-based): chr9:133,423,156, C>T. VCF-style: chr9-133423156-C-T. GRCh37 (hg19) VCF-style: chr9-136288276-C-T.
Other names: p.Ala54Val; c.161C>T, p.Ala54Val (NM_139025.5, NM_139026.6); short protein forms A54V.
Identifiers: ClinVar variation 3379920 (VCV003379920.1).